The following is an entry in ClinVar:

NM_000092.5(COL4A4):c.3979G>A (p.Val1327Met)

Gene: COL4A4 (collagen type IV alpha 4 chain; minus strand). Cytogenetic location: 2q36.3.
Variant type: single nucleotide variant.
Coding change: c.3979G>A on transcript NM_000092.5 (MANE Select); coding-DNA position 3979, G replaced by A.
Protein change: p.Val1327Met; replaces valine 1327 with methionine.
Molecular consequence: missense variant.
Genome position (GRCh38, 1-based): chr2:227,028,004, C>T on the plus strand (G>A on the coding strand, the complement: COL4A4 is on the minus strand). VCF-style: chr2-227028004-C-T. GRCh37 (hg19) VCF-style: chr2-227892720-C-T.
Other names: short protein forms V1327M.
Identifiers: ClinVar variation 191312 (VCV000191312.38), dbSNP rs2229813, ClinGen allele CA236424.

ClinVar aggregate classification (germline): Benign/Likely benign. Review status: criteria provided, multiple submitters, no conflicts (2 of 4 stars). 20 submissions from 20 submitters: Benign (14); Likely benign (3). 3 of the submissions do not count toward it. Last evaluated 2026-02-04.

Conditions:
Alport syndrome. Also called: Hemorrhagic familial nephritis; Hemorrhagic hereditary nephritis; Congenital hereditary hematuria. Identifiers: Orphanet 63, MedGen C1567741, MONDO:0018965.
Autosomal recessive Alport syndrome (ATS2). Also called: ALPORT SYNDROME 2, AUTOSOMAL RECESSIVE; COL4A4 Alport Syndrome and Thin Basement Membrane Nephropathy; Alport syndrome type 2; COL4A3-Related Nephropathy. Identifiers: Orphanet 63, Orphanet 88919, MedGen C4746745, MONDO:0008762, OMIM 203780.
X-linked Alport syndrome (ATS1). Also called: NEPHROPATHY AND DEAFNESS, X-LINKED; COL4A5-Related Nephropathy. Identifiers: Orphanet 63, Orphanet 88917, MedGen C4746986, MONDO:0010520, OMIM 301050.

Allele frequency attached by ClinVar (database versions not stated): ESP Exome Variant Server 0.45483; gnomAD 0.46716 and 0.46878; TOPMed 0.46967; gnomAD exomes 0.47009; ExAC 0.48787; 1000 Genomes Project 30x 0.49157; 1000 Genomes Project 0.49301.
gnomAD v4.1: 705,405 of 1,595,282 alleles (44%); highest among the groups gnomAD compares: South Asian, 56%; 158,911 homozygotes.

Submissions (20):

Labcorp Genetics (formerly Invitae), Labcorp
Classification: Benign. Last evaluated: 2026-02-04. Review status: criteria provided, single submitter. Criteria: Invitae Variant Classification Sherloc (09022015). Collection method: clinical testing. Allele origin: germline.

Laboratory of Genetics, Children's Clinical University Hospital Latvia
Classification: Benign. Last evaluated: 2025-02-16. Review status: criteria provided, single submitter. Criteria: ACMG Guidelines, 2015. Collection method: clinical testing. Allele origin: germline. Affected: yes.

Women's Health and Genetics/Laboratory Corporation of America, LabCorp
Classification: Likely benign. Last evaluated: 2024-11-29. Review status: criteria provided, single submitter. Criteria: LabCorp Variant Classification Summary - May 2015. Collection method: clinical testing. Allele origin: germline.

Blueprint Genetics
Classification: Likely benign. Last evaluated: 2024-11-26. Review status: criteria provided, single submitter. Criteria: ACMG Guidelines, 2015. Collection method: clinical testing. Allele origin: germline.

Unidad de Genómica Garrahan, Hospital de Pediatría Garrahan
Classification: Benign. Last evaluated: 2024-07-15. Review status: criteria provided, single submitter. Criteria: ACMG Guidelines, 2015. Collection method: clinical testing. Allele origin: germline. Affected: no. Observed: 58 variant alleles.
Comment: This variant is classified as Benign based on local population frequency. This variant was detected in 62% of patients studied in a panel designed for Epileptic and Developmental Encephalopathy and Progressive Myoclonus Epilepsy. Number of patients: 58. Only high quality variants are reported.

Johns Hopkins Genomics, Johns Hopkins University
Classification: Benign for Autosomal recessive Alport syndrome. Last evaluated: 2024-05-19. Review status: criteria provided, single submitter. Criteria: ACMG Guidelines, 2015. Collection method: clinical testing. Allele origin: germline.
Comment: BA1

Genomic Medicine Center of Excellence, King Faisal Specialist Hospital and Research Centre
Classification: Likely benign for Autosomal recessive Alport syndrome. Last evaluated: 2024-05-10. Review status: criteria provided, single submitter. Criteria: ACMG Guidelines, 2015. Collection method: research. Allele origin: germline. Affected: yes.
Comment: Updated to Likely benign due to high local frequency

Department of Pathology and Laboratory Medicine, Sinai Health System
Classification: Benign for Alport syndrome. Last evaluated: 2023-04-24. Review status: criteria provided, single submitter. Criteria: ACMG Guidelines, 2015. Collection method: research. Allele origin: germline.

Molecular Genetics, Royal Melbourne Hospital
Classification: Benign for Autosomal recessive Alport syndrome. Last evaluated: 2023-03-30. Review status: criteria provided, single submitter. Criteria: ACMG Guidelines, 2015. Collection method: clinical testing. Allele origin: germline. Affected: yes.
Comment: Population allele frequency is 47% (rs2229813, 125,895/267,302 alleles in gnomAD v2.0.2). Based on the classification scheme RMH ACMG Guidelines v1.1.1, this variant is classified as Benign. Following criteria met: BA1

Mayo Clinic Laboratories, Mayo Clinic
Classification: Benign. Last evaluated: 2022-09-09. Review status: criteria provided, single submitter. Criteria: ACMG Guidelines, 2015. Collection method: clinical testing. Allele origin: germline. Observed: 251 variant alleles.
Comment: BA1, BP4

Genome-Nilou Lab
Classification: Benign for Autosomal recessive Alport syndrome. Last evaluated: 2021-05-18. Review status: criteria provided, single submitter. Criteria: ACMG Guidelines, 2015. Collection method: clinical testing. Allele origin: germline. Affected: no.

Mendelics
Classification: Benign for X-linked Alport syndrome. Last evaluated: 2019-05-28. Review status: criteria provided, single submitter. Criteria: Mendelics Assertion Criteria 2017. Collection method: clinical testing. Allele origin: unknown.

Illumina Laboratory Services, Illumina
Classification: Benign for Alport syndrome. Last evaluated: 2018-01-12. Review status: criteria provided, single submitter. Criteria: ICSL Variant Classification Criteria 13 December 2019. Collection method: clinical testing. Allele origin: germline.
Comment: This variant was observed in the ICSL laboratory as part of a predisposition screen in an ostensibly healthy population. It had not been previously curated by ICSL or reported in the Human Gene Mutation Database (HGMD: prior to June 1st, 2018), and was therefore a candidate for classification through an automated scoring system. Utilizing variant allele frequency, disease prevalence and penetrance estimates, and inheritance mode, an automated score was calculated to assess if this variant is too frequent to cause the disease. Based on the score and internal cut-off values, a variant classified as benign is not then subjected to further curation. The score for this variant resulted in a classification of benign for this disease.

GeneDx
Classification: Benign. Last evaluated: 2017-05-09. Review status: criteria provided, single submitter. Criteria: GeneDx Variant Classification (06012015). Collection method: clinical testing. Allele origin: germline. Affected: yes.
Comment: This variant is considered likely benign or benign based on one or more of the following criteria: it is a conservative change, it occurs at a poorly conserved position in the protein, it is predicted to be benign by multiple in silico algorithms, and/or has population frequency not consistent with disease.

Athena Diagnostics
Classification: Benign. Last evaluated: 2017-04-03. Review status: criteria provided, single submitter. Criteria: Athena Diagnostics Criteria. Collection method: clinical testing. Allele origin: germline.

Laboratory for Molecular Medicine, Mass General Brigham Personalized Medicine
Classification: Benign. Last evaluated: 2016-02-02. Review status: criteria provided, single submitter. Criteria: LMM Criteria. Collection method: clinical testing. Allele origin: germline. Observed: 193 variant alleles.
Comment: p.Val1327Met in exon 42 of COL4A4: This variant is not expected to have clinical significance because it has been identified in 45% (26293/58266) of European ch romosomes by the Exome Aggregation Consortium (ExAC. org; dbSNP rs2229813).

PreventionGenetics, part of Exact Sciences
Classification: Benign. Review status: criteria provided, single submitter. Criteria: ACMG Guidelines, 2015. Collection method: clinical testing. Allele origin: germline.

Natera, Inc.
Classification: Benign for Alport syndrome. Last evaluated: 2020-09-16. Review status: no assertion criteria provided. Collection method: clinical testing. Allele origin: germline. Not counted in ClinVar's aggregate classification.

Genome Diagnostics Laboratory, University Medical Center Utrecht
Classification: Benign. Review status: no assertion criteria provided. Collection method: clinical testing. Allele origin: germline. Affected: yes. Study: VKGL Data-share Consensus. Not counted in ClinVar's aggregate classification.

Joint Genome Diagnostic Labs from Nijmegen and Maastricht, Radboudumc and MUMC+
Classification: Benign. Review status: no assertion criteria provided. Collection method: clinical testing. Allele origin: germline. Affected: yes. Study: VKGL Data-share Consensus. Not counted in ClinVar's aggregate classification.

Literature cited by the submitters: PubMed 20029656 (cited by Laboratory for Molecular Medicine, Mass General Brigham Personalized Medicine); PubMed 19129241 (cited by Laboratory for Molecular Medicine, Mass General Brigham Personalized Medicine); PubMed 25514610 (cited by Laboratory for Molecular Medicine, Mass General Brigham Personalized Medicine); PubMed 19675380 (cited by Laboratory for Molecular Medicine, Mass General Brigham Personalized Medicine); PubMed 25755845 (cited by Laboratory for Molecular Medicine, Mass General Brigham Personalized Medicine); PubMed 17396119 (cited by Laboratory for Molecular Medicine, Mass General Brigham Personalized Medicine); PubMed 12028435 (cited by Laboratory for Molecular Medicine, Mass General Brigham Personalized Medicine).